The following is an entry in ClinVar:

NM_001042492.3(NF1):c.5060G>A (p.Arg1687Lys)

Gene: NF1 (neurofibromin 1; plus strand). Cytogenetic location: 17q11.2.
Variant type: single nucleotide variant.
Coding change: c.5060G>A on transcript NM_001042492.3 (MANE Select); coding-DNA position 5060, G replaced by A.
Protein change: p.Arg1687Lys; replaces arginine 1687 with lysine.
Molecular consequence: missense variant.
Genome position (GRCh38, 1-based): chr17:31,326,044, G>A. VCF-style: chr17-31326044-G-A. GRCh37 (hg19) VCF-style: chr17-29653062-G-A.
Other names: c.4997G>A, p.Arg1666Lys (NM_000267.4); short protein forms R1666K, R1687K.
Identifiers: ClinVar variation 1486698 (VCV001486698.8), dbSNP rs2151538312, ClinGen allele CA399007421.

ClinVar aggregate classification (germline): Uncertain significance (1 of 4 stars; one submission).

Conditions:
Neurofibromatosis, type 1 (NF1). Also called: NEUROFIBROMATOSIS, TYPE I, SOMATIC; Neurofibromatosis, type I; VON RECKLINGHAUSEN DISEASE; Peripheral type neurofibromatosis. Identifiers: Orphanet 636, MedGen C0027831, MONDO:0018975, OMIM 162200. Disease mechanism: loss of function.

Submission:

Labcorp Genetics (formerly Invitae), Labcorp
Classification: Uncertain significance for Neurofibromatosis, type 1. Last evaluated: 2025-07-02. Review status: criteria provided, single submitter. Criteria: Invitae Variant Classification Sherloc (09022015). Collection method: clinical testing. Allele origin: germline.
Comment: This sequence change replaces arginine, which is basic and polar, with lysine, which is basic and polar, at codon 1666 of the NF1 protein (p.Arg1666Lys). This variant is not present in population databases (gnomAD no frequency). This variant has not been reported in the literature in individuals affected with NF1-related conditions. ClinVar contains an entry for this variant (Variation ID: 1486698). Invitae Evidence Modeling of protein sequence and biophysical properties (such as structural, functional, and spatial information, amino acid conservation, physicochemical variation, residue mobility, and thermodynamic stability) has been performed for this missense variant. However, the output from this modeling did not meet the statistical confidence thresholds required to predict the impact of this variant on NF1 protein function. In summary, the available evidence is currently insufficient to determine the role of this variant in disease. Therefore, it has been classified as a Variant of Uncertain Significance.